The following is an entry in ClinVar:

ClinVar aggregate classification (germline): Likely benign. Review status: criteria provided, multiple submitters, no conflicts (2 of 4 stars). 3 submissions from 3 submitters: Likely benign (2). 1 of the submissions does not count toward it. Last evaluated 2025-02-15.

Conditions:
CSF1R-related disorder. Also called: CSF1R-related condition. Identifiers: MedGen CN379780, MONDO:0100632.

Allele frequency attached by ClinVar (database versions not stated): TOPMed below 0.00001; gnomAD 0.00001; gnomAD exomes 0.00001; ExAC 0.00002; ESP Exome Variant Server 0.00008.
gnomAD v4.1: 11 of 1,614,082 alleles (0.00068%); highest among the groups gnomAD compares: Non-Finnish European, 0.00076%; no homozygotes.

Submissions (3):

Labcorp Genetics (formerly Invitae), Labcorp
Classification: Likely benign. Last evaluated: 2025-02-15. Review status: criteria provided, single submitter. Criteria: Invitae Variant Classification Sherloc (09022015). Collection method: clinical testing. Allele origin: germline.

Blueprint Genetics
Classification: Likely benign. Last evaluated: 2024-09-02. Review status: criteria provided, single submitter. Criteria: ACMG Guidelines, 2015. Collection method: clinical testing. Allele origin: germline.

PreventionGenetics, part of Exact Sciences
Classification: Likely benign for CSF1R-related condition. Last evaluated: 2024-09-26. Review status: no assertion criteria provided. Collection method: clinical testing. Allele origin: germline. Not counted in ClinVar's aggregate classification.
Comment: This variant is classified as likely benign based on ACMG/AMP sequence variant interpretation guidelines (Richards et al. 2015 PMID: 25741868, with internal and published modifications).

NM_001288705.3(CSF1R):c.2208C>T (p.Ser736=)

Gene: CSF1R (colony stimulating factor 1 receptor; minus strand). Cytogenetic location: 5q32.
Variant type: single nucleotide variant.
Coding change: c.2208C>T on transcript NM_001288705.3 (MANE Select); coding-DNA position 2208, C replaced by T.
Protein change: p.Ser736=; no amino-acid change (serine 736 retained).
Molecular consequence: synonymous variant. On other transcripts: non-coding transcript variant (2).
Genome position (GRCh38, 1-based): chr5:150,057,517, G>A on the plus strand (C>T on the coding strand, the complement: CSF1R is on the minus strand). VCF-style: chr5-150057517-G-A. GRCh37 (hg19) VCF-style: chr5-149437080-G-A.
Other names: c.2208C>T (NM_005211.3); c.2208C>T, p.Ser736= (NM_001349736.2, NM_001375320.1, NM_005211.4); c.1764C>T, p.Ser588= (NM_001375321.1).
Identifiers: ClinVar variation 2180310 (VCV002180310.6), dbSNP rs143167751, ClinGen allele CA3506517.
Genomic context (GRCh38, chr5:150,057,517, plus strand): 5'-TTCCCTTGTTATCAAGCAAATGGGGCCTGGCCCTGGGACCTCCTCACCTTGCTCAGAGAA[G>A]GAGTCATTTGAAGAAGTGGAGACAGGCCTCATCTCCACATAGGTGTCCACACCCTGGCTG-3'
Protein context (NP_001275634.1, residues 726-746): MRPVSTSSND[Ser736=]FSEQDLDKED